The following is an entry in ClinVar:

NM_000540.3(RYR1):c.6800dup (p.Met2267fs)

Gene: RYR1 (ryanodine receptor 1; plus strand). Cytogenetic location: 19q13.2.
Variant type: Duplication.
Coding change: c.6800dup on transcript NM_000540.3 (MANE Select); coding-DNA position 6800, one base duplicated (T; older notation c.6800dupT).
Protein change: p.Met2267fs; shifts the reading frame from methionine 2267.
Molecular consequence: frameshift variant.
Genome position (GRCh38, 1-based): chr19:38,496,863, T duplicated. VCF-style (leftmost placement, unchanged base first): chr19-38496862-A-AT. GRCh37 (hg19) VCF-style: chr19-38987502-A-AT.
Other names: c.6800dup, p.Met2267fs (NM_001042723.2); short protein forms M2267fs.
Identifiers: ClinVar variation 3233277 (VCV003233277.2), dbSNP rs2514294079.

ClinVar aggregate classification (germline): Likely pathogenic (1 of 4 stars; one submission).

Conditions:
RYR1-related myopathy. Identifiers: Orphanet 98742, MedGen CN305348, MONDO:0100150.

Submission:

Muscle and Diseases Team, Institut de Génétique et Biologie Moléculaire et Cellulaire
Classification: Likely pathogenic for RYR1-related myopathy. Last evaluated: 2024-03-01. Review status: criteria provided, single submitter. Criteria: ACMG Guidelines, 2015. Collection method: research. Allele origin: unknown. Affected: yes. Observed: 1 variant allele.
Comment: PVS1+PM2

Literature cited by the submitters: DOI 10.1186/s13073-024-01353-0.